The following is an entry in ClinVar:

NM_016390.4(SPOUT1):c.389C>G (p.Thr130Arg)

Genes: KYAT1-SPOUT1 (KYAT1-SPOUT1 readthrough; minus strand), SPOUT1 (SPOUT domain containing methyltransferase 1; minus strand). Cytogenetic location: 9q34.11.
Variant type: single nucleotide variant.
Coding change: c.389C>G on transcript NM_016390.4 (MANE Select); coding-DNA position 389, C replaced by G.
Protein change: p.Thr130Arg; replaces threonine 130 with arginine.
Molecular consequence: missense variant. On other transcripts: non-coding transcript variant (2).
Genome position (GRCh38, 1-based): chr9:128,826,609, G>C on the plus strand (C>G on the coding strand, the complement: SPOUT1 is on the minus strand). VCF-style: chr9-128826609-G-C. GRCh37 (hg19) VCF-style: chr9-131588888-G-C.
Other names: c.1736C>G, p.Thr579Arg (NM_001414398.1); short protein forms T130R, T579R.
Identifiers: ClinVar variation 3059239 (VCV003059239.2), dbSNP rs6478854, ClinGen allele CA5269910.

ClinVar aggregate classification (germline): Benign (0 of 4 stars; one submission).

Conditions:
SPOUT1-related disorder. Also called: SPOUT1-related condition.

Allele frequency attached by ClinVar (database versions not stated): gnomAD exomes 0.30494; ExAC 0.33838; gnomAD 0.40259; TOPMed 0.41426; ESP Exome Variant Server 0.42027; 1000 Genomes Project 0.46146; 1000 Genomes Project 30x 0.47220.

Submission:

PreventionGenetics, part of Exact Sciences
Classification: Benign for SPOUT1-related condition. Last evaluated: 2019-10-18. Review status: no assertion criteria provided. Collection method: clinical testing. Allele origin: germline.
Comment: This variant is classified as benign based on ACMG/AMP sequence variant interpretation guidelines (Richards et al. 2015 PMID: 25741868, with internal and published modifications).